The following is an entry in ClinVar:

NM_001421.4(ELF4):c.1936C>T (p.Pro646Ser)

Gene: ELF4 (E74 like ETS transcription factor 4; minus strand). Cytogenetic location: Xq26.1.
Variant type: single nucleotide variant.
Coding change: c.1936C>T on transcript NM_001421.4 (MANE Select); coding-DNA position 1936, C replaced by T.
Protein change: p.Pro646Ser; replaces proline 646 with serine.
Molecular consequence: missense variant.
Genome position (GRCh38, 1-based): chrX:130,066,777, G>A on the plus strand (C>T on the coding strand, the complement: ELF4 is on the minus strand). VCF-style: chrX-130066777-G-A. GRCh37 (hg19) VCF-style: chrX-129200752-G-A.
Other names: NP_001412.1:p.(Pro646Ser); c.1936C>T, p.Pro646Ser (NM_001127197.2); short protein forms P646S.
Identifiers: ClinVar variation 3393333 (VCV003393333.2).
Genomic context (GRCh38, chrX:130,066,777, plus strand): 5'-TTGCTTATATGTCATGGGGCTCCATCTTAATGAGGGAAGTAGGGTTGAATGGGGAGAAAG[G>A]GGCTGGGGTGGGGGATCTTGTCAGAAGGCTCCCAGATGTGGTCACACTAGGCTCAGCCAT-3'
Protein context (NP_001412.1, residues 636-656): SLLTRSPTPA[Pro646Ser]FSPFNPTSLI

ClinVar aggregate classification (germline): Uncertain significance (1 of 4 stars; one submission).

Conditions:
Autoinflammatory syndrome, familial, X-linked, Behcet-like 2. Also called: DEFICIENCY IN ELF4, X-LINKED. Identifiers: Orphanet 676125, MedGen C5575495, MONDO:0024770, OMIM 301074.

gnomAD v4.1: 8 of 1,209,099 alleles (0.00066%); highest among the groups gnomAD compares: Non-Finnish European, 0.00089%; no homozygotes.

Submission:

Paediatric Laboratory, Institute for Maternal and Child Health - IRCCS Burlo Garofolo
Classification: Uncertain significance for Autoinflammatory syndrome, familial, X-linked, Behcet-like 2. Last evaluated: 2024-12-02. Review status: criteria provided, single submitter. Criteria: ACMG Guidelines, 2015. Collection method: clinical testing. Allele origin: germline.
Comment: The NM_001421.4:c.1936C>T variant is predicted to result in the substitution of the proline residue at position 646 with a serine. Multiple lines of computational evidence suggest no or little impact of this variant on gene or gene product [BP4].